The following is an entry in ClinVar:

ClinVar aggregate classification (germline): Uncertain significance (1 of 4 stars; one submission).

Conditions:
VPS13B-related disorder. Also called: VPS13B-related condition.

gnomAD v4.1: 2 of 1,613,122 alleles (0.00012%); highest among the groups gnomAD compares: South Asian, 0.0011%; no homozygotes.

Submission:

PreventionGenetics, part of Exact Sciences
Classification: Uncertain significance for VPS13B-related condition. Last evaluated: 2026-06-12. Review status: criteria provided, single submitter. Criteria: ACMG Guidelines, 2015. Collection method: clinical testing. Allele origin: germline.
Comment: The VPS13B c.1445G>A variant is predicted to result in the amino acid substitution p.Cys482Tyr. To our knowledge, this variant has not been reported in the literature or in a large population database (gnomAD), indicating this variant is rare. At this time, the clinical significance of this variant is uncertain due to the absence of conclusive functional and genetic evidence.

NM_152564.5(VPS13B):c.1445G>A (p.Cys482Tyr)

Gene: VPS13B (vacuolar protein sorting 13 homolog B; plus strand). Cytogenetic location: 8q22.2.
Variant type: single nucleotide variant.
Coding change: c.1445G>A on transcript NM_152564.5 (MANE Select); coding-DNA position 1445, G replaced by A.
Protein change: p.Cys482Tyr; replaces cysteine 482 with tyrosine.
Molecular consequence: missense variant.
Genome position (GRCh38, 1-based): chr8:99,135,615, G>A. VCF-style: chr8-99135615-G-A. GRCh37 (hg19) VCF-style: chr8-100147843-G-A.
Other names: c.1445G>A, p.Cys482Tyr (NM_015243.3, NM_017890.5); short protein forms C482Y.
Identifiers: ClinVar variation 5002174 (VCV005002174.1).